The following is an entry in ClinVar:

ClinVar aggregate classification (germline): Conflicting classifications of pathogenicity. Review status: criteria provided, conflicting classifications (1 of 4 stars). 3 submissions from 3 submitters: Uncertain significance (1); Likely benign (1). 1 of the submissions does not count toward it. Last evaluated 2025-04-29.

Conditions:
Familial infantile myoclonic epilepsy (FIME). Also called: TBC1D24-Related Familial Infantile Myoclonic Epilepsy (FIME); Epilepsy, Myoclonic, Infantile. Identifiers: Orphanet 352582, MedGen C0917800, MONDO:0011506, OMIM 605021.
TBC1D24-related disorder. Also called: TBC1D24-related condition; TBC1D24-related disorders. Identifiers: MedGen CN381194.
Developmental and epileptic encephalopathy, 1 (DEE1). Also called: INFANTILE SPASM SYNDROME, X-LINKED 1; X-linked infantile spasms; West's syndrome; Tonic spasms with clustering, arrest of psychomotor development and hypsarrhythmia on EEG; X-Linked Infantile Spasm Syndrome; OHTAHARA SYNDROME, X-LINKED. Identifiers: MedGen C3463992, MONDO:0010632, OMIM 308350. Disease mechanism: loss of function.
Autosomal dominant nonsyndromic hearing loss 65. Also called: TBC1D24-Related Autosomal Dominant Nonsyndromic Hearing Loss (DFNA); Deafness, autosomal dominant 65. Identifiers: Orphanet 90635, MedGen C3892048, MONDO:0014470, OMIM 616044.

Allele frequency attached by ClinVar (database versions not stated): gnomAD exomes 0.00001; TOPMed below 0.00001; ExAC 0.00001.

Submissions (3):

Labcorp Genetics (formerly Invitae), Labcorp
Classification: Likely benign for Developmental and epileptic encephalopathy, 1; Autosomal dominant nonsyndromic hearing loss 65. Last evaluated: 2025-04-29. Review status: criteria provided, single submitter. Criteria: Invitae Variant Classification Sherloc (09022015). Collection method: clinical testing. Allele origin: germline.

Illumina Laboratory Services, Illumina
Classification: Uncertain significance for Familial infantile myoclonic epilepsy. Last evaluated: 2018-01-13. Review status: criteria provided, single submitter. Criteria: ICSL Variant Classification Criteria 13 December 2019. Collection method: clinical testing. Allele origin: germline.

PreventionGenetics, part of Exact Sciences
Classification: Likely benign for TBC1D24-related condition. Last evaluated: 2019-08-01. Review status: no assertion criteria provided. Collection method: clinical testing. Allele origin: germline. Not counted in ClinVar's aggregate classification.
Comment: This variant is classified as likely benign based on ACMG/AMP sequence variant interpretation guidelines (Richards et al. 2015 PMID: 25741868, with internal and published modifications).

NM_001199107.2(TBC1D24):c.1536C>T (p.Gly512=)

Gene: TBC1D24 (TBC1 domain family member 24; plus strand). Cytogenetic location: 16p13.3.
Variant type: single nucleotide variant.
Coding change: c.1536C>T on transcript NM_001199107.2 (MANE Select); coding-DNA position 1536, C replaced by T.
Protein change: p.Gly512=; no amino-acid change (glycine 512 retained).
Molecular consequence: synonymous variant.
Genome position (GRCh38, 1-based): chr16:2,500,814, C>T. VCF-style: chr16-2500814-C-T. GRCh37 (hg19) VCF-style: chr16-2550815-C-T.
Other names: c.1518C>T, p.Gly506= (NM_020705.3).
Identifiers: ClinVar variation 887472 (VCV000887472.15), dbSNP rs757328220, ClinGen allele CA7844338.